The following is an entry in ClinVar:

NM_017433.5(MYO3A):c.2692G>A (p.Glu898Lys)

Gene: MYO3A (myosin IIIA; plus strand). Cytogenetic location: 10p12.1.
Variant type: single nucleotide variant.
Coding change: c.2692G>A on transcript NM_017433.5 (MANE Select); coding-DNA position 2692, G replaced by A.
Protein change: p.Glu898Lys; replaces glutamic acid 898 with lysine.
Molecular consequence: missense variant.
Genome position (GRCh38, 1-based): chr10:26,153,906, G>A. VCF-style: chr10-26153906-G-A. GRCh37 (hg19) VCF-style: chr10-26442835-G-A.
Other names: short protein forms E898K.
Identifiers: ClinVar variation 2248831 (VCV002248831.3), dbSNP rs780717551, ClinGen allele CA204381916.
Genomic context (GRCh38, chr10:26,153,906, plus strand): 5'-ATAGGTAATCTGCCACATTCTAAAACTAAAAATGTTATAAACTATCAAATGAGGACTTCA[G>A]AAAAATTAATCAACCTGGCAAAGGTAAGAAAATGCTTTTTTTCTTGGCAGTGAGTCTAAG-3'
Protein context (NP_059129.3, residues 888-908): NVINYQMRTS[Glu898Lys]KLINLAKGDT

ClinVar aggregate classification (germline): Uncertain significance. Review status: criteria provided, multiple submitters, no conflicts (2 of 4 stars). 2 submissions from 2 submitters: Uncertain significance (2). Last evaluated 2025-12-15.

Conditions:
Inborn genetic diseases. Identifiers: MedGen C0950123, MeSH D030342.
MYO3A-related disorder. Also called: MYO3A-related condition.

Allele frequency attached by ClinVar (database versions not stated): gnomAD 0.00001.
gnomAD v4.1: 3 of 1,594,644 alleles (0.00019%); highest among the groups gnomAD compares: East Asian, 0.0022%; no homozygotes.

Submissions (2):

PreventionGenetics, part of Exact Sciences
Classification: Uncertain significance for MYO3A-related condition. Last evaluated: 2025-12-15. Review status: criteria provided, single submitter. Criteria: ACMG Guidelines, 2015. Collection method: clinical testing. Allele origin: germline.
Comment: The MYO3A c.2692G>A variant is predicted to result in the amino acid substitution p.Glu898Lys. To our knowledge, this variant has not been reported in the literature or in a large population database (gnomAD), indicating this variant is rare. At this time, the clinical significance of this variant is uncertain due to the absence of conclusive functional and genetic evidence.

Ambry Genetics
Classification: Uncertain significance for Inborn genetic diseases. Last evaluated: 2021-09-09. Review status: criteria provided, single submitter. Criteria: Ambry Variant Classification Scheme 2023. Collection method: clinical testing. Allele origin: germline.